The following is an entry in ClinVar:

NM_015488.5(PNKD):c.953T>G (p.Val318Gly)

Genes: PNKD (PNKD metallo-beta-lactamase domain containing; plus strand), CATIP-AS2 (CATIP antisense RNA 2; minus strand). Cytogenetic location: 2q35.
Variant type: single nucleotide variant.
Coding change: c.953T>G on transcript NM_015488.5 (MANE Select); coding-DNA position 953, T replaced by G.
Protein change: p.Val318Gly; replaces valine 318 with glycine.
Molecular consequence: missense variant.
Genome position (GRCh38, 1-based): chr2:218,344,539, T>G. VCF-style: chr2-218344539-T-G. GRCh37 (hg19) VCF-style: chr2-219209262-T-G.
Other names: c.881T>G, p.Val294Gly (NM_022572.5); short protein forms V318G, V294G.
Identifiers: ClinVar variation 2760168 (VCV002760168.3), dbSNP rs2469473485, ClinGen allele CA350542931.

ClinVar aggregate classification (germline): Uncertain significance (1 of 4 stars; one submission).

Conditions:
Paroxysmal nonkinesigenic dyskinesia. Also called: Paroxysmal non-kinesigenic dyskinesia. Identifiers: Orphanet 98810, MedGen C1869117, MONDO:0700088.

Submission:

Labcorp Genetics (formerly Invitae), Labcorp
Classification: Uncertain significance for Paroxysmal nonkinesigenic dyskinesia. Last evaluated: 2023-09-11. Review status: criteria provided, single submitter. Criteria: Invitae Variant Classification Sherloc (09022015). Collection method: clinical testing. Allele origin: germline.
Comment: This sequence change replaces valine, which is neutral and non-polar, with glycine, which is neutral and non-polar, at codon 318 of the PNKD protein (p.Val318Gly). This variant is not present in population databases (gnomAD no frequency). In summary, the available evidence is currently insufficient to determine the role of this variant in disease. Therefore, it has been classified as a Variant of Uncertain Significance. Advanced modeling of protein sequence and biophysical properties (such as structural, functional, and spatial information, amino acid conservation, physicochemical variation, residue mobility, and thermodynamic stability) performed at Invitae indicates that this missense variant is not expected to disrupt PNKD protein function. This variant has not been reported in the literature in individuals affected with PNKD-related conditions.